The following is an entry in ClinVar:

NM_006070.6(TFG):c.409G>C (p.Glu137Gln)

Gene: TFG (trafficking from ER to golgi regulator; plus strand). Cytogenetic location: 3q12.2.
Variant type: single nucleotide variant.
Coding change: c.409G>C on transcript NM_006070.6 (MANE Select); coding-DNA position 409, G replaced by C.
Protein change: p.Glu137Gln; replaces glutamic acid 137 with glutamine.
Molecular consequence: missense variant.
Genome position (GRCh38, 1-based): chr3:100,728,852, G>C. VCF-style: chr3-100728852-G-C. GRCh37 (hg19) VCF-style: chr3-100447696-G-C.
Other names: c.409G>C, p.Glu137Gln (NM_001007565.2, NM_001195478.2, NM_001195479.2); short protein forms E137Q.
Identifiers: ClinVar variation 953420 (VCV000953420.9), dbSNP rs760595911, ClinGen allele CA2517066.

ClinVar aggregate classification (germline): Uncertain significance (1 of 4 stars; one submission).

Conditions:
Hereditary spastic paraplegia 57. Also called: Spastic paraplegia 57, autosomal recessive. Identifiers: Orphanet 431329, MedGen C3714897, MONDO:0014295, OMIM 615658.
Hereditary motor and sensory neuropathy, Okinawa type (HMSNO). Also called: HEREDITARY MOTOR AND SENSORY NEUROPATHY, PROXIMAL TYPE. Identifiers: Orphanet 90117, MedGen C1858338, MONDO:0011468, OMIM 604484.

Allele frequency attached by ClinVar (database versions not stated): gnomAD exomes below 0.00001; ExAC 0.00001; gnomAD 0.00001; TOPMed 0.00002.
gnomAD v4.1: 3 of 1,604,196 alleles (0.00019%); highest among the groups gnomAD compares: African/African-American, 0.0027%; no homozygotes.

Submission:

Labcorp Genetics (formerly Invitae), Labcorp
Classification: Uncertain significance for Hereditary motor and sensory neuropathy, Okinawa type; Hereditary spastic paraplegia 57. Last evaluated: 2022-12-23. Review status: criteria provided, single submitter. Criteria: Invitae Variant Classification Sherloc (09022015). Collection method: clinical testing. Allele origin: germline.
Comment: This sequence change replaces glutamic acid, which is acidic and polar, with glutamine, which is neutral and polar, at codon 137 of the TFG protein (p.Glu137Gln). The frequency data for this variant in the population databases is considered unreliable, as metrics indicate poor data quality at this position in the gnomAD database. This variant has not been reported in the literature in individuals affected with TFG-related conditions. ClinVar contains an entry for this variant (Variation ID: 953420). Advanced modeling of protein sequence and biophysical properties (such as structural, functional, and spatial information, amino acid conservation, physicochemical variation, residue mobility, and thermodynamic stability) performed at Invitae indicates that this missense variant is not expected to disrupt TFG protein function. In summary, the available evidence is currently insufficient to determine the role of this variant in disease. Therefore, it has been classified as a Variant of Uncertain Significance.